The following is an entry in ClinVar:

NM_000038.6(APC):c.7011T>A (p.Ser2337Arg)

Gene: APC (APC regulator of Wnt signaling pathway; plus strand). Cytogenetic location: 5q22.2.
Variant type: single nucleotide variant.
Coding change: c.7011T>A on transcript NM_000038.6 (MANE Select); coding-DNA position 7011, T replaced by A.
Protein change: p.Ser2337Arg; replaces serine 2337 with arginine.
Molecular consequence: missense variant. On other transcripts: non-coding transcript variant (2).
Genome position (GRCh38, 1-based): chr5:112,842,605, T>A. VCF-style: chr5-112842605-T-A. GRCh37 (hg19) VCF-style: chr5-112178302-T-A.
Other names: c.7011T>A, p.Ser2337Arg (NM_001127510.3, NM_001354895.2, NM_001407450.1); c.6957T>A, p.Ser2319Arg (NM_001127511.3); c.7065T>A, p.Ser2355Arg (NM_001354896.2, NM_001407447.1, NM_001407448.1 and 1 more transcripts); c.7041T>A, p.Ser2347Arg (NM_001354897.2); c.6936T>A, p.Ser2312Arg (NM_001354898.2); c.6927T>A, p.Ser2309Arg (NM_001354899.2); c.6888T>A, p.Ser2296Arg (NM_001354900.2); c.6834T>A, p.Ser2278Arg (NM_001354901.2, NM_001407453.1); and 11 more; short protein forms S2309R, S2330R, S2347R, S2365R, S1953R, S2208R, S2211R, S2312R.
Identifiers: ClinVar variation 3305407 (VCV003305407.2).

ClinVar aggregate classification (germline): Uncertain significance. Review status: criteria provided, multiple submitters, no conflicts (2 of 4 stars). 2 submissions from 2 submitters: Uncertain significance (2). Last evaluated 2025-11-11.

Conditions:
Familial adenomatous polyposis 1 (FAP1). Also called: FAMILIAL ADENOMATOUS POLYPOSIS 1, ATTENUATED; POLYPOSIS, ADENOMATOUS INTESTINAL. Identifiers: MedGen C2713442, MONDO:0021056, OMIM 175100. Disease mechanism: loss of function.
Hereditary cancer-predisposing syndrome. Also called: Tumor predisposition; Hereditary Cancer Syndrome; Hereditary neoplastic syndrome; Neoplastic Syndromes, Hereditary. Identifiers: Orphanet 140162, MedGen C0027672, MeSH D009386, MONDO:0015356.

Submissions (2):

Labcorp Genetics (formerly Invitae), Labcorp
Classification: Uncertain significance for Familial adenomatous polyposis 1. Last evaluated: 2025-11-11. Review status: criteria provided, single submitter. Criteria: Invitae Variant Classification Sherloc (09022015). Collection method: clinical testing. Allele origin: germline.
Comment: This sequence change replaces serine, which is neutral and polar, with arginine, which is basic and polar, at codon 2337 of the APC protein (p.Ser2337Arg). This variant is not present in population databases (gnomAD no frequency). This variant has not been reported in the literature in individuals affected with APC-related conditions. ClinVar contains an entry for this variant (Variation ID: 3305407). Invitae Evidence Modeling of protein sequence and biophysical properties (such as structural, functional, and spatial information, amino acid conservation, physicochemical variation, residue mobility, and thermodynamic stability) indicates that this missense variant is not expected to disrupt APC protein function with a negative predictive value of 95%. In summary, the available evidence is currently insufficient to determine the role of this variant in disease. Therefore, it has been classified as a Variant of Uncertain Significance.

Ambry Genetics
Classification: Uncertain significance for Hereditary cancer-predisposing syndrome. Last evaluated: 2024-05-18. Review status: criteria provided, single submitter. Criteria: Ambry Variant Classification Scheme 2023. Collection method: clinical testing. Allele origin: germline.
Comment: The p.S2337R variant (also known as c.7011T>A), located in coding exon 15 of the APC gene, results from a T to A substitution at nucleotide position 7011. The serine at codon 2337 is replaced by arginine, an amino acid with dissimilar properties. This amino acid position is conserved. In addition, in silico predictors for this gene do not accurately predict pathogenicity. Based on the available evidence, the clinical significance of this variant remains unclear.